The following is an entry in ClinVar:

NM_031935.3(HMCN1):c.2910del (p.Asn970fs)

Gene: HMCN1 (hemicentin 1; plus strand). Cytogenetic location: 1q31.1.
Variant type: Deletion.
Coding change: c.2910del on transcript NM_031935.3 (MANE Select); coding-DNA position 2910, one base deleted (C; older notation c.2910delC).
Protein change: p.Asn970fs; shifts the reading frame from asparagine 970.
Molecular consequence: frameshift variant.
Genome position (GRCh38, 1-based): chr1:185,984,288, C deleted. VCF-style (leftmost placement, unchanged base first): chr1-185984287-AC-A. GRCh37 (hg19) VCF-style: chr1-185953419-AC-A.
Other names: short protein forms N970fs.
Identifiers: ClinVar variation 2770407 (VCV002770407.3), dbSNP rs2527367109, ClinGen allele CA2697554785.

ClinVar aggregate classification (germline): Uncertain significance (1 of 4 stars; one submission).

Submission:

Labcorp Genetics (formerly Invitae), Labcorp
Classification: Uncertain significance. Last evaluated: 2023-10-20. Review status: criteria provided, single submitter. Criteria: Invitae Variant Classification Sherloc (09022015). Collection method: clinical testing. Allele origin: germline.
Comment: This sequence change creates a premature translational stop signal (p.Asn970Lysfs*29) in the HMCN1 gene. It is expected to result in an absent or disrupted protein product. However, the current clinical and genetic evidence is not sufficient to establish whether loss-of-function variants in HMCN1 cause disease. This variant is not present in population databases (gnomAD no frequency). This variant has not been reported in the literature in individuals affected with HMCN1-related conditions. In summary, the available evidence is currently insufficient to determine the role of this variant in disease. Therefore, it has been classified as a Variant of Uncertain Significance.